The following is an entry in ClinVar:

NM_000217.3(KCNA1):c.559G>A (p.Glu187Lys)

Gene: KCNA1 (potassium voltage-gated channel subfamily A member 1; plus strand). Cytogenetic location: 12p13.32.
Variant type: single nucleotide variant.
Coding change: c.559G>A on transcript NM_000217.3 (MANE Select); coding-DNA position 559, G replaced by A.
Protein change: p.Glu187Lys; replaces glutamic acid 187 with lysine.
Molecular consequence: missense variant.
Genome position (GRCh38, 1-based): chr12:4,911,937, G>A. VCF-style: chr12-4911937-G-A. GRCh37 (hg19) VCF-style: chr12-5021103-G-A.
Other names: short protein forms E187K.
Identifiers: ClinVar variation 573452 (VCV000573452.8), dbSNP rs1565433190, ClinGen allele CA383454826.

ClinVar aggregate classification (germline): Uncertain significance. Review status: criteria provided, multiple submitters, no conflicts (2 of 4 stars). 2 submissions from 2 submitters: Uncertain significance (2). Last evaluated 2026-05-31.

Conditions:
KCNA1-related disorder. Also called: KCNA1-related disorders; KCNA1-related condition.
Episodic ataxia type 1 (EA1). Also called: Episodic ataxia/myokymia syndrome; ATAXIA, EPISODIC, WITH MYOKYMIA; MYOKYMIA WITH PERIODIC ATAXIA; PAROXYSMAL ATAXIA WITH NEUROMYOTONIA, HEREDITARY. Identifiers: Orphanet 37612, Orphanet 972, MedGen C1719788, MONDO:0008047, OMIM 160120.

Submissions (2):

PreventionGenetics, part of Exact Sciences
Classification: Uncertain significance for KCNA1-related condition. Last evaluated: 2026-05-31. Review status: criteria provided, single submitter. Criteria: ACMG Guidelines, 2015. Collection method: clinical testing. Allele origin: germline.
Comment: The KCNA1 c.559G>A variant is predicted to result in the amino acid substitution p.Glu187Lys. To our knowledge, this variant has not been reported in the literature or in a large population database (gnomAD), indicating this variant is rare. At this time, the clinical significance of this variant is uncertain due to the absence of conclusive functional and genetic evidence.

Labcorp Genetics (formerly Invitae), Labcorp
Classification: Uncertain significance for Episodic ataxia type 1. Last evaluated: 2024-03-19. Review status: criteria provided, single submitter. Criteria: Invitae Variant Classification Sherloc (09022015). Collection method: clinical testing. Allele origin: germline.
Comment: This sequence change replaces glutamic acid, which is acidic and polar, with lysine, which is basic and polar, at codon 187 of the KCNA1 protein (p.Glu187Lys). This variant is not present in population databases (gnomAD no frequency). This variant has not been reported in the literature in individuals affected with KCNA1-related conditions. ClinVar contains an entry for this variant (Variation ID: 573452). Advanced modeling of protein sequence and biophysical properties (such as structural, functional, and spatial information, amino acid conservation, physicochemical variation, residue mobility, and thermodynamic stability) has been performed at Invitae for this missense variant, however the output from this modeling did not meet the statistical confidence thresholds required to predict the impact of this variant on KCNA1 protein function. In summary, the available evidence is currently insufficient to determine the role of this variant in disease. Therefore, it has been classified as a Variant of Uncertain Significance.